The following is an entry in ClinVar:

ClinVar aggregate classification (germline): Pathogenic/Likely pathogenic. Review status: criteria provided, multiple submitters, no conflicts (2 of 4 stars). 4 submissions from 4 submitters: Pathogenic (2); Likely pathogenic (2). Last evaluated 2026-04-07.

Conditions:
Deficiency of aromatic-L-amino-acid decarboxylase. Also called: AADC DEFICIENCY; DDC DEFICIENCY; DOPA DECARBOXYLASE DEFICIENCY; Aromatic amino acid decarboxylase deficiency; Aromatic L-Amino Acid Decarboxylase Deficiency. Identifiers: Orphanet 35708, MedGen C1291564, MONDO:0012084, OMIM 608643.

Submissions (4):

Dasa
Classification: Pathogenic. Last evaluated: 2026-04-07. Review status: criteria provided, single submitter. Criteria: DASA Assertion Criteria. Collection method: clinical testing. Allele origin: germline.
Comment: NM_001082971.2(DDC):c.1055del (p.Pro352Hisfs*9) introduces a premature termination codon predicted to result in loss of normal protein function. Loss-of-function is an established mechanism of disease for this gene. This variant has been reported in an affected individual with related phenotype in a genotype context consistent with recessive disease (PMID: 35769135). The variant is present at low frequency in population datasets. Based on the available data, this variant is classified as pathogenic.

GeneDx
Classification: Likely pathogenic. Last evaluated: 2026-01-22. Review status: criteria provided, single submitter. Criteria: GeneDx Variant Classification Process June 2021. Collection method: clinical testing. Allele origin: germline.
Comment: Reported with a second variant in the DDC gene in a patient with aromatic L-amino acid decarboxylase deficiency in the published literature; however, segregation and clinical information were not provided (PMID: 35769135); Published functional studies suggest impaired DOPA decarboxylase enzyme activity; however, variant-specific measurement of DOPA decarboxylase enzyme activity was not provided (PMID: 35769135); Frameshift variant predicted to result in protein truncation or nonsense mediated decay in a gene for which loss of function is a known mechanism of disease; Not observed at significant frequency in large population cohorts (gnomAD); This variant is associated with the following publications: (PMID: 35769135, 36427457)

Labcorp Genetics (formerly Invitae), Labcorp
Classification: Pathogenic for Deficiency of aromatic-L-amino-acid decarboxylase. Last evaluated: 2023-12-11. Review status: criteria provided, single submitter. Criteria: Invitae Variant Classification Sherloc (09022015). Collection method: clinical testing. Allele origin: germline.
Comment: This sequence change creates a premature translational stop signal (p.Pro352Hisfs*9) in the DDC gene. It is expected to result in an absent or disrupted protein product. Loss-of-function variants in DDC are known to be pathogenic (PMID: 15079002, 24788355). This variant is not present in population databases (gnomAD no frequency). This variant has not been reported in the literature in individuals affected with DDC-related conditions. ClinVar contains an entry for this variant (Variation ID: 1074024). For these reasons, this variant has been classified as Pathogenic.

Laboratorio de Genetica e Diagnostico Molecular, Hospital Israelita Albert Einstein
Classification: Likely pathogenic. Last evaluated: 2021-03-31. Review status: criteria provided, single submitter. Criteria: ACMG Guidelines, 2015. Collection method: clinical testing. Allele origin: germline. Affected: yes.
Comment: ACMG classification criteria: PVS1, PM2

Literature cited by the submitters: PubMed 35769135 (cited by Dasa); PubMed 15079002 (cited by Labcorp Genetics (formerly Invitae), Labcorp); PubMed 24788355 (cited by Labcorp Genetics (formerly Invitae), Labcorp).

NM_001082971.2(DDC):c.1055del (p.Pro352fs)

Gene: DDC (dopa decarboxylase; minus strand). Cytogenetic location: 7p12.2.
Variant type: Deletion.
Coding change: c.1055del on transcript NM_001082971.2 (MANE Select); coding-DNA position 1055, one base deleted (C; older notation c.1055delC).
Protein change: p.Pro352fs; shifts the reading frame from proline 352.
Molecular consequence: frameshift variant.
Genome position (GRCh38, 1-based): chr7:50,470,158, G deleted on the plus strand (C on the coding strand, the reverse complement: DDC is on the minus strand); the first of 2 consecutive G bases (chr7:50,470,158-50,470,159); deleting either gives the same sequence. VCF-style (leftmost placement, unchanged base first): chr7-50470157-TG-T. GRCh37 (hg19) VCF-style: chr7-50537855-TG-T.
Other names: c.1055del, p.Pro352fs (NM_000790.4); c.941del, p.Pro314fs (NM_001242886.2); c.911del, p.Pro304fs (NM_001242887.2); c.821del, p.Pro274fs (NM_001242888.2); c.776del, p.Pro259fs (NM_001242889.2); c.1055delC (NM_000790.4); c.1055del (NM_000790.3); short protein forms P259fs, P274fs, P304fs, P314fs, P352fs.
Identifiers: ClinVar variation 1074024 (VCV001074024.13), dbSNP rs2042497215, ClinGen allele CA1101199690.